The following is an entry in ClinVar:

NM_139318.5(KCNH5):c.2257G>A (p.Val753Met)

Gene: KCNH5 (potassium voltage-gated channel subfamily H member 5; minus strand). Cytogenetic location: 14q23.2.
Variant type: single nucleotide variant.
Coding change: c.2257G>A on transcript NM_139318.5 (MANE Select); coding-DNA position 2257, G replaced by A.
Protein change: p.Val753Met; replaces valine 753 with methionine.
Molecular consequence: missense variant. On other transcripts: 3 prime UTR variant (1).
Genome position (GRCh38, 1-based): chr14:62,708,218, C>T on the plus strand (G>A on the coding strand, the complement: KCNH5 is on the minus strand). VCF-style: chr14-62708218-C-T. GRCh37 (hg19) VCF-style: chr14-63174936-C-T.
Other names: c.*224G>A (NM_172375.3); short protein forms V753M.
Identifiers: ClinVar variation 4802003 (VCV004802003.1).

ClinVar aggregate classification (germline): Uncertain significance (1 of 4 stars; one submission).

Conditions:
Early-infantile DEE. Also called: Early infantile epileptic encephalopathy; Early infantile epileptic encephalopathy with suppression bursts; Ohtahara syndrome. Identifiers: Orphanet 1934, MedGen C0393706, MONDO:0800491.

gnomAD v4.1: 2 of 1,614,092 alleles (0.00012%); highest among the groups gnomAD compares: Middle Eastern, 0.016%; no homozygotes.

Submission:

Labcorp Genetics (formerly Invitae), Labcorp
Classification: Uncertain significance for Early-infantile DEE. Last evaluated: 2025-06-22. Review status: criteria provided, single submitter. Criteria: Invitae Variant Classification Sherloc (09022015). Collection method: clinical testing. Allele origin: germline.
Comment: This sequence change replaces valine, which is neutral and non-polar, with methionine, which is neutral and non-polar, at codon 753 of the KCNH5 protein (p.Val753Met). This variant is not present in population databases (gnomAD no frequency). This variant has not been reported in the literature in individuals affected with KCNH5-related conditions. Invitae Evidence Modeling of protein sequence and biophysical properties (such as structural, functional, and spatial information, amino acid conservation, physicochemical variation, residue mobility, and thermodynamic stability) indicates that this missense variant is not expected to disrupt KCNH5 protein function with a negative predictive value of 95%. In summary, the available evidence is currently insufficient to determine the role of this variant in disease. Therefore, it has been classified as a Variant of Uncertain Significance.